The following is an entry in ClinVar:

NM_000629.3(IFNAR1):c.130A>C (p.Asn44His)

Gene: IFNAR1 (interferon alpha and beta receptor subunit 1; plus strand). Cytogenetic location: 21q22.11.
Variant type: single nucleotide variant.
Coding change: c.130A>C on transcript NM_000629.3 (MANE Select); coding-DNA position 130, A replaced by C.
Protein change: p.Asn44His; replaces asparagine 44 with histidine.
Molecular consequence: missense variant. On other transcripts: 5 prime UTR variant (3).
Genome position (GRCh38, 1-based): chr21:33,335,577, A>C. VCF-style: chr21-33335577-A-C. GRCh37 (hg19) VCF-style: chr21-34707883-A-C.
Other names: c.130A>C, p.Asn44His (NM_001384498.1, NM_001384499.1, NM_001384501.1 and 1 more transcripts); c.-657A>C (NM_001384500.1); c.-254A>C (NM_001384502.1); c.-78A>C (NM_001384504.1); c.130A>C (NM_000629.2); short protein forms N44H.
Identifiers: ClinVar variation 1404568 (VCV001404568.6), dbSNP rs538755984, ClinGen allele CA10006395.

ClinVar aggregate classification (germline): Uncertain significance. Review status: criteria provided, multiple submitters, no conflicts (2 of 4 stars). 2 submissions from 2 submitters: Uncertain significance (2). Last evaluated 2023-12-13.

Allele frequency attached by ClinVar (database versions not stated): gnomAD exomes below 0.00001; ExAC 0.00001; 1000 Genomes Project 30x 0.00016; 1000 Genomes Project 0.00020.
gnomAD v4.1: 16 of 1,608,088 alleles (0.00099%); highest among the groups gnomAD compares: Admixed American, 0.024%; no homozygotes.

Submissions (2):

Ambry Genetics
Classification: Uncertain significance. Last evaluated: 2023-12-13. Review status: criteria provided, single submitter. Criteria: Ambry Variant Classification Scheme 2023. Collection method: clinical testing. Allele origin: germline.

Labcorp Genetics (formerly Invitae), Labcorp
Classification: Uncertain significance. Last evaluated: 2022-06-27. Review status: criteria provided, single submitter. Criteria: Invitae Variant Classification Sherloc (09022015). Collection method: clinical testing. Allele origin: germline.
Comment: This sequence change replaces asparagine, which is neutral and polar, with histidine, which is basic and polar, at codon 44 of the IFNAR1 protein (p.Asn44His). This variant is present in population databases (rs538755984, gnomAD 0.003%). This variant has not been reported in the literature in individuals affected with IFNAR1-related conditions. Algorithms developed to predict the effect of missense changes on protein structure and function are either unavailable or do not agree on the potential impact of this missense change (SIFT: "Deleterious"; PolyPhen-2: "Probably Damaging"; Align-GVGD: "Class C0"). In summary, the available evidence is currently insufficient to determine the role of this variant in disease. Therefore, it has been classified as a Variant of Uncertain Significance.